The following is an entry in ClinVar:

NM_002485.5(NBN):c.1659G>A (p.Met553Ile)

Gene: NBN (nibrin; minus strand). Cytogenetic location: 8q21.3.
Variant type: single nucleotide variant.
Coding change: c.1659G>A on transcript NM_002485.5 (MANE Select); coding-DNA position 1659, G replaced by A.
Protein change: p.Met553Ile; replaces methionine 553 with isoleucine.
Molecular consequence: missense variant.
Genome position (GRCh38, 1-based): chr8:89,953,430, C>T on the plus strand (G>A on the coding strand, the complement: NBN is on the minus strand). VCF-style: chr8-89953430-C-T. GRCh37 (hg19) VCF-style: chr8-90965658-C-T.
Other names: c.1413G>A, p.Met471Ile (NM_001024688.3); short protein forms M553I, M471I.
Identifiers: ClinVar variation 232738 (VCV000232738.22), dbSNP rs876659960, ClinGen allele CA10578756.
Genomic context (GRCh38, chr8:89,953,430, plus strand): 5'-CTCTGGTTTTGTGTCCTTGAATAACTGTTCCAATACTTCATCTTCTATGGCCACATCATC[C>T]ATTTCCCTTTTTTTATTTGATCTTAGCTTTTCTGCAGCATGAGATTTACTGGCAGAATTT-3'
Protein context (NP_002476.2, residues 543-563): EKLRSNKKRE[Met553Ile]DDVAIEDEVL

ClinVar aggregate classification (germline): Conflicting classifications of pathogenicity. Review status: criteria provided, conflicting classifications (1 of 4 stars). 7 submissions from 7 submitters: Uncertain significance (6); Likely benign (1). Last evaluated 2025-04-28.

Conditions:
Hereditary cancer-predisposing syndrome. Also called: Hereditary Cancer Syndrome; Neoplastic Syndromes, Hereditary; Tumor predisposition; Hereditary neoplastic syndrome. Identifiers: Orphanet 140162, MedGen C0027672, MeSH D009386, MONDO:0015356.
Microcephaly, normal intelligence and immunodeficiency (NBS). Also called: BERLIN BREAKAGE SYNDROME; Ataxia telangiectasia variant V1; IMMUNODEFICIENCY, MICROCEPHALY, AND CHROMOSOMAL INSTABILITY; SEEMANOVA SYNDROME II; Nijmegen breakage syndrome; Microcephaly with normal intelligence immunodeficiency and lymphoreticular malignancies. Identifiers: Orphanet 647, MedGen C0398791, MONDO:0009623, OMIM 251260.

Allele frequency attached by ClinVar (database versions not stated): gnomAD 0.00001; gnomAD exomes 0.00001; TOPMed 0.00001.
gnomAD v4.1: 9 of 1,613,708 alleles (0.00056%); highest among the groups gnomAD compares: Non-Finnish European, 0.00068%; no homozygotes.

Submissions (7):

Quest Diagnostics Nichols Institute San Juan Capistrano
Classification: Uncertain significance. Last evaluated: 2025-04-28. Review status: criteria provided, single submitter. Criteria: Quest Diagnostics criteria. Collection method: clinical testing. Allele origin: unknown.
Comment: The NBN c.1659G>A (p.Met553Ile) variant has been reported in the published literature in an individual with breast cancer (PMID: 29522266 (2018)), as well as in reportedly unaffected individuals (PMID: 33471991 (2021), see also LOVD). The frequency of this variant in the general population (Genome Aggregation Database) is uninformative in the assessment of its pathogenicity. Analysis of this variant using bioinformatics tools for the prediction of the effect of amino acid changes on protein structure and function yielded predictions that this variant is benign. Based on the available information, we are unable to determine the clinical significance of this variant.

Labcorp Genetics (formerly Invitae), Labcorp
Classification: Uncertain significance for Microcephaly, normal intelligence and immunodeficiency. Last evaluated: 2023-10-30. Review status: criteria provided, single submitter. Criteria: Invitae Variant Classification Sherloc (09022015). Collection method: clinical testing. Allele origin: germline.
Comment: This sequence change replaces methionine, which is neutral and non-polar, with isoleucine, which is neutral and non-polar, at codon 553 of the NBN protein (p.Met553Ile). This variant is present in population databases (no rsID available, gnomAD 0.002%). This variant has not been reported in the literature in individuals affected with NBN-related conditions. ClinVar contains an entry for this variant (Variation ID: 232738). Algorithms developed to predict the effect of missense changes on protein structure and function output the following: SIFT: "Not Available"; PolyPhen-2: "Benign"; Align-GVGD: "Not Available". The isoleucine amino acid residue is found in multiple mammalian species, which suggests that this missense change does not adversely affect protein function. In summary, the available evidence is currently insufficient to determine the role of this variant in disease. Therefore, it has been classified as a Variant of Uncertain Significance.

Women's Health and Genetics/Laboratory Corporation of America, LabCorp
Classification: Uncertain significance. Last evaluated: 2022-12-02. Review status: criteria provided, single submitter. Criteria: LabCorp Variant Classification Summary - May 2015. Collection method: clinical testing. Allele origin: germline.

Sema4
Classification: Uncertain significance for Hereditary cancer-predisposing syndrome. Last evaluated: 2022-03-14. Review status: criteria provided, single submitter. Criteria: Sema4 Curation Guidelines. Collection method: curation. Allele origin: germline.
Comment: The NBN c.1659G>A (p.M553I) variant has been reported in heterozygosity in at least one individual with breast cancer (PMID: 29522266). It has been reported in a large case-control study of breast cancer in 2/53461 controls and not in 60466 cases (PMID: 33471991). It was observed in 2/113532 chromosomes in the Non-Finnish European population according to the Genome Aggregation Database (PMID: 32461654). This variant has been reported in ClinVar (Variation ID: 232738). In silico tools suggest the impact of the variant on protein function is benign, though these predictions have not been confirmed by functional studies. The evidence is insufficient to meet ACMG/AMP criteria for classifying the variant as benign or pathogenic. Thus, the clinical significance of this variant is currently uncertain.

Genome-Nilou Lab
Classification: Uncertain significance for Microcephaly, normal intelligence and immunodeficiency. Last evaluated: 2021-11-07. Review status: criteria provided, single submitter. Criteria: ACMG Guidelines, 2015. Collection method: clinical testing. Allele origin: germline. Affected: no.

GeneDx
Classification: Uncertain significance. Last evaluated: 2021-07-21. Review status: criteria provided, single submitter. Criteria: GeneDx Variant Classification Process June 2021. Collection method: clinical testing. Allele origin: germline. Affected: yes.
Comment: Not observed at a significant frequency in large population cohorts (Lek 2016); In silico analysis supports that this missense variant does not alter protein structure/function; Observed in individuals with breast cancer (Hauke 2018); This variant is associated with the following publications: (PMID: 29522266)

Ambry Genetics
Classification: Likely benign for Hereditary cancer-predisposing syndrome. Last evaluated: 2018-06-05. Review status: criteria provided, single submitter. Criteria: Ambry Variant Classification Scheme 2023. Collection method: clinical testing. Allele origin: germline.

Literature cited by the submitters: PubMed 33471991 (cited by Quest Diagnostics Nichols Institute San Juan Capistrano and Sema4); PubMed 29522266 (cited by Quest Diagnostics Nichols Institute San Juan Capistrano and Sema4).